The following is an entry in ClinVar:

ClinVar aggregate classification (germline): Likely pathogenic. Review status: criteria provided, multiple submitters, no conflicts (2 of 4 stars). 3 submissions from 3 submitters: Likely pathogenic (3). Last evaluated 2024-06-18.

Conditions:
Hemochromatosis type 3 (HFE3). Also called: TFR2-Related Hemochromatosis; HEMOCHROMATOSIS DUE TO DEFECT IN TRANSFERRIN RECEPTOR 2; Hereditary hemochromatosis type 3. Identifiers: Orphanet 225123, MedGen C1858664, MONDO:0011417, OMIM 604250.

Allele frequency attached by ClinVar (database versions not stated): TOPMed below 0.00001.

Submissions (3):

Fulgent Genetics
Classification: Likely pathogenic for Hemochromatosis type 3. Last evaluated: 2024-06-18. Review status: criteria provided, single submitter. Criteria: ACMG Guidelines, 2015. Collection method: clinical testing. Allele origin: germline.

Natera, Inc.
Classification: Likely pathogenic for Hereditary hemochromatosis type 3. Last evaluated: 2024-04-15. Review status: criteria provided, single submitter. Criteria: Natera Variant Classification Schema (03/2026). Collection method: clinical testing. Allele origin: germline.
Comment: The c.34-2A>C variant in TFR2 is a canonical splice acceptor site variant predicted to affect pre-mRNA splicing, which may result in an abnormal transcript and altered protein product. This variant is expected to result in nonsense mediated decay, truncation, or a dysfunctional protein product. This variant is rare in the general population with a frequency below the threshold expected for the associated phenotype(s). Given the available evidence, this variant is classified as Likely Pathogenic.

Baylor Genetics
Classification: Likely pathogenic for Hemochromatosis type 3. Last evaluated: 2024-03-22. Review status: criteria provided, single submitter. Criteria: ACMG Guidelines, 2015. Collection method: clinical testing. Allele origin: unknown.

NM_003227.4(TFR2):c.34-2A>C

Gene: TFR2 (transferrin receptor 2; minus strand). Cytogenetic location: 7q22.1.
Variant type: single nucleotide variant.
Coding change: c.34-2A>C on transcript NM_003227.4 (MANE Select); the canonical splice acceptor site of the intron before coding-DNA position 34, A replaced by C.
Molecular consequence: splice acceptor variant.
Genome position (GRCh38, 1-based): chr7:100,641,230, T>G on the plus strand (A>C on the coding strand, the complement: TFR2 is on the minus strand). VCF-style: chr7-100641230-T-G. GRCh37 (hg19) VCF-style: chr7-100238853-T-G.
Other names: c.34-2A>C (NM_003227.3).
Identifiers: ClinVar variation 3240586 (VCV003240586.3), dbSNP rs1803693127.